The following is an entry in ClinVar:

ClinVar aggregate classification (germline): Likely benign (0 of 4 stars; one submission).

Conditions:
MKKS-related disorder. Also called: MKKS-related condition; MKKS-related disorders.

gnomAD v4.1: 2 of 1,609,232 alleles (0.00012%); highest among the groups gnomAD compares: East Asian, 0.0022%; no homozygotes.

Submission:

PreventionGenetics, part of Exact Sciences
Classification: Likely benign for MKKS-related condition. Last evaluated: 2023-09-14. Review status: no assertion criteria provided. Collection method: clinical testing. Allele origin: germline.
Comment: This variant is classified as likely benign based on ACMG/AMP sequence variant interpretation guidelines (Richards et al. 2015 PMID: 25741868, with internal and published modifications).

NM_170784.3(MKKS):c.1273-3T>C

Gene: MKKS (MKKS centrosomal shuttling protein; minus strand). Cytogenetic location: 20p12.2.
Variant type: single nucleotide variant.
Coding change: c.1273-3T>C on transcript NM_170784.3 (MANE Select); 3 bases into the intron before coding-DNA position 1273, T replaced by C.
Molecular consequence: intron variant.
Genome position (GRCh38, 1-based): chr20:10,405,690, A>G on the plus strand (T>C on the coding strand, the complement: MKKS is on the minus strand). VCF-style: chr20-10405690-A-G. GRCh37 (hg19) VCF-style: chr20-10386338-A-G.
Other names: c.1273-3T>C (NM_018848.3).
Identifiers: ClinVar variation 3348027 (VCV003348027.1).